The following is an entry in ClinVar:

NM_001081.4(CUBN):c.*380T>C

Gene: CUBN (cubilin; minus strand). Cytogenetic location: 10p13.
Variant type: single nucleotide variant.
Coding change: c.*380T>C on transcript NM_001081.4 (MANE Select); 380 bases downstream of the stop codon, T replaced by C.
Molecular consequence: 3 prime UTR variant.
Genome position (GRCh38, 1-based): chr10:16,824,595, A>G on the plus strand (T>C on the coding strand, the complement: CUBN is on the minus strand). VCF-style: chr10-16824595-A-G. GRCh37 (hg19) VCF-style: chr10-16866594-A-G.
Identifiers: ClinVar variation 880006 (VCV000880006.4), dbSNP rs188873973, ClinGen allele CA203531109.

ClinVar aggregate classification (germline): Likely benign (1 of 4 stars; one submission).

Conditions:
Imerslund-Grasbeck syndrome type 1 (IGS1). Also called: Megaloblastic anemia 1, Finnish type; Imerslund-Gräsbeck syndrome 1; MEGALOBLASTIC ANEMIA, 1. Identifiers: MedGen C4016819, MONDO:0100156, OMIM 261100.

Allele frequency attached by ClinVar (database versions not stated): gnomAD exomes 0.00008; 1000 Genomes Project 0.00060; gnomAD 0.00013 and 0.00003; 1000 Genomes Project 30x 0.00047; TOPMed 0.00003.
gnomAD v4.1: 32 of 308,054 alleles (0.01%); highest among the groups gnomAD compares: East Asian, 0.26%; no homozygotes.

Submission:

Illumina Laboratory Services, Illumina
Classification: Likely benign for Imerslund-Grasbeck syndrome type 1. Last evaluated: 2018-01-13. Review status: criteria provided, single submitter. Criteria: ICSL Variant Classification Criteria 13 December 2019. Collection method: clinical testing. Allele origin: germline.
Comment: This variant was observed in the ICSL laboratory as part of a predisposition screen in an ostensibly healthy population. It had not been previously curated by ICSL or reported in the Human Gene Mutation Database (HGMD: prior to June 1st, 2018), and was therefore a candidate for classification through an automated scoring system. Utilizing variant allele frequency, disease prevalence and penetrance estimates, and inheritance mode, an automated score was calculated to assess if this variant is too frequent to cause the disease. Based on the score and internal cut-off values, a variant classified as likely benign is not then subjected to further curation. The score for this variant resulted in a classification of likely benign for this disease.